The following is an entry in ClinVar:

ClinVar aggregate classification (germline): Uncertain significance (1 of 4 stars; one submission).

gnomAD v4.1: 2 of 1,614,150 alleles (0.00012%); highest among the groups gnomAD compares: Non-Finnish European, 0.00017%; no homozygotes.

Submission:

GeneDx
Classification: Uncertain significance. Last evaluated: 2026-03-26. Review status: criteria provided, single submitter. Criteria: GeneDx Variant Classification Process June 2021. Collection method: clinical testing. Allele origin: germline.
Comment: Not observed at significant frequency in large population cohorts (gnomAD); In silico analysis supports that this missense variant has a deleterious effect on protein structure/function; Has not been previously published as pathogenic or benign to our knowledge; This variant is associated with the following publications: (PMID: 24282183)

NM_017739.4(POMGNT1):c.1694C>G (p.Ser565Cys)

Genes: POMGNT1 (protein O-linked mannose N-acetylglucosaminyltransferase 1 (beta 1,2-); minus strand), TSPAN1 (tetraspanin 1; plus strand). Cytogenetic location: 1p34.1.
Variant type: single nucleotide variant.
Coding change: c.1694C>G on transcript NM_017739.4 (MANE Select); coding-DNA position 1694, C replaced by G.
Protein change: p.Ser565Cys; replaces serine 565 with cysteine.
Molecular consequence: missense variant.
Genome position (GRCh38, 1-based): chr1:46,189,945, G>C on the plus strand (C>G on the coding strand, the complement: POMGNT1 is on the minus strand). VCF-style: chr1-46189945-G-C. GRCh37 (hg19) VCF-style: chr1-46655617-G-C.
Other names: c.1694C>G, p.Ser565Cys (NM_001243766.2, NM_001410783.1, NM_001437653.1 and 3 more transcripts); c.1628C>G, p.Ser543Cys (NM_001290129.3, NM_001438691.1, NM_001438692.1); c.1265C>G, p.Ser422Cys (NM_001290130.2); short protein forms S422C, S543C, S565C.
Identifiers: ClinVar variation 5017162 (VCV005017162.1).